The following is an entry in ClinVar:

ClinVar aggregate classification (germline): Uncertain significance (1 of 4 stars; one submission).

Conditions:
RYR1-related disorder. Also called: RYR1-related condition; RYR1-related disorders. Identifiers: MedGen CN239331.

gnomAD v4.1: 1 of 1,613,508 alleles (0.000062%); highest among the groups gnomAD compares: Non-Finnish European, 0.000085%; no homozygotes.

Submission:

Labcorp Genetics (formerly Invitae), Labcorp
Classification: Uncertain significance for RYR1-related disorder. Last evaluated: 2024-04-17. Review status: criteria provided, single submitter. Criteria: Invitae Variant Classification Sherloc (09022015). Collection method: clinical testing. Allele origin: germline.
Comment: This sequence change replaces proline, which is neutral and non-polar, with serine, which is neutral and polar, at codon 1868 of the RYR1 protein (p.Pro1868Ser). This variant is not present in population databases (gnomAD no frequency). This variant has not been reported in the literature in individuals affected with RYR1-related conditions. Advanced modeling of protein sequence and biophysical properties (such as structural, functional, and spatial information, amino acid conservation, physicochemical variation, residue mobility, and thermodynamic stability) performed at Invitae indicates that this missense variant is not expected to disrupt RYR1 protein function with a negative predictive value of 95%. In summary, the available evidence is currently insufficient to determine the role of this variant in disease. Therefore, it has been classified as a Variant of Uncertain Significance.

NM_000540.3(RYR1):c.5602C>T (p.Pro1868Ser)

Gene: RYR1 (ryanodine receptor 1; plus strand). Cytogenetic location: 19q13.2.
Variant type: single nucleotide variant.
Coding change: c.5602C>T on transcript NM_000540.3 (MANE Select); coding-DNA position 5602, C replaced by T.
Protein change: p.Pro1868Ser; replaces proline 1868 with serine.
Molecular consequence: missense variant.
Genome position (GRCh38, 1-based): chr19:38,489,231, C>T. VCF-style: chr19-38489231-C-T. GRCh37 (hg19) VCF-style: chr19-38979871-C-T.
Other names: c.5602C>T, p.Pro1868Ser (NM_001042723.2); short protein forms P1868S.
Identifiers: ClinVar variation 3626882 (VCV003626882.2).